The following is an entry in ClinVar:

NM_001458.5(FLNC):c.1364C>T (p.Ala455Val)

Gene: FLNC (filamin C; plus strand). Cytogenetic location: 7q32.1.
Variant type: single nucleotide variant.
Coding change: c.1364C>T on transcript NM_001458.5 (MANE Select); coding-DNA position 1364, C replaced by T.
Protein change: p.Ala455Val; replaces alanine 455 with valine.
Molecular consequence: missense variant.
Genome position (GRCh38, 1-based): chr7:128,838,756, C>T. VCF-style: chr7-128838756-C-T. GRCh37 (hg19) VCF-style: chr7-128478810-C-T.
Other names: c.1364C>T, p.Ala455Val (NM_001127487.2); short protein forms A455V.
Identifiers: ClinVar variation 471971 (VCV000471971.12), dbSNP rs777210524, ClinGen allele CA4474307.

ClinVar aggregate classification (germline): Conflicting classifications of pathogenicity. Review status: criteria provided, conflicting classifications (1 of 4 stars). 4 submissions from 4 submitters: Uncertain significance (3); Likely benign (1). Last evaluated 2026-01-11.

Conditions:
Myofibrillar myopathy 5. Also called: FILAMINOPATHY, AUTOSOMAL DOMINANT; Filaminopathy (type). Identifiers: Orphanet 171445, MedGen C1836050, MONDO:0012289, OMIM 609524.
Distal myopathy with posterior leg and anterior hand involvement. Also called: WILLIAMS DISTAL MYOPATHY. Identifiers: Orphanet 63273, MedGen C3279722, MONDO:0013550, OMIM 614065.
Hypertrophic cardiomyopathy 26. Also called: Cardiomyopathy, familial hypertrophic, 26. Identifiers: Orphanet 75249, MedGen C4310749, MONDO:0014883, OMIM 617047.
Cardiovascular phenotype. Identifiers: MedGen CN230736.

Allele frequency attached by ClinVar (database versions not stated): gnomAD 0.00001; ExAC 0.00002; gnomAD exomes 0.00004; TOPMed 0.00004.
gnomAD v4.1: 65 of 1,612,878 alleles (0.004%); highest among the groups gnomAD compares: Admixed American, 0.005%; no homozygotes.

Submissions (4):

Labcorp Genetics (formerly Invitae), Labcorp
Classification: Uncertain significance for Distal myopathy with posterior leg and anterior hand involvement; Myofibrillar myopathy 5; Hypertrophic cardiomyopathy 26. Last evaluated: 2026-01-11. Review status: criteria provided, single submitter. Criteria: Invitae Variant Classification Sherloc (09022015). Collection method: clinical testing. Allele origin: germline.
Comment: This sequence change replaces alanine, which is neutral and non-polar, with valine, which is neutral and non-polar, at codon 455 of the FLNC protein (p.Ala455Val). This variant is present in population databases (rs777210524, gnomAD 0.02%). This variant has not been reported in the literature in individuals affected with FLNC-related conditions. ClinVar contains an entry for this variant (Variation ID: 471971). Invitae Evidence Modeling of protein sequence and biophysical properties (such as structural, functional, and spatial information, amino acid conservation, physicochemical variation, residue mobility, and thermodynamic stability) has been performed for this missense variant. However, the output from this modeling did not meet the statistical confidence thresholds required to predict the impact of this variant on FLNC protein function. In summary, the available evidence is currently insufficient to determine the role of this variant in disease. Therefore, it has been classified as a Variant of Uncertain Significance.

Ambry Genetics
Classification: Uncertain significance for Cardiovascular phenotype. Last evaluated: 2025-06-24. Review status: criteria provided, single submitter. Criteria: Ambry Variant Classification Scheme 2023. Collection method: clinical testing. Allele origin: germline.
Comment: The p.A455V variant (also known as c.1364C>T), located in coding exon 8 of the FLNC gene, results from a C to T substitution at nucleotide position 1364. The alanine at codon 455 is replaced by valine, an amino acid with similar properties. This amino acid position is highly conserved in available vertebrate species. In addition, the in silico prediction for this alteration is inconclusive. Based on the available evidence, the clinical significance of this variant remains unclear.

Blueprint Genetics
Classification: Likely benign. Last evaluated: 2023-08-17. Review status: criteria provided, single submitter. Criteria: ACMG Guidelines, 2015. Collection method: clinical testing. Allele origin: germline.

Revvity Omics, Revvity
Classification: Uncertain significance. Last evaluated: 2020-02-19. Review status: criteria provided, single submitter. Criteria: ACMG Guidelines, 2015. Collection method: clinical testing. Allele origin: germline.